The following is an entry in ClinVar:

ClinVar aggregate classification (germline): Uncertain significance (1 of 4 stars; one submission).

Conditions:
Myasthenic syndrome, congenital, 22 (CMS22). Also called: PREPL DEFICIENCY. Identifiers: MedGen C4479088, MONDO:0044299, OMIM 616224.

Allele frequency attached by ClinVar (database versions not stated): gnomAD exomes below 0.00001.
gnomAD v4.1: 2 of 1,614,042 alleles (0.00012%); highest among the groups gnomAD compares: Non-Finnish European, 0.00017%; no homozygotes.

Submission:

Labcorp Genetics (formerly Invitae), Labcorp
Classification: Uncertain significance for Myasthenic syndrome, congenital, 22. Last evaluated: 2020-08-25. Review status: criteria provided, single submitter. Criteria: Invitae Variant Classification Sherloc (09022015). Collection method: clinical testing. Allele origin: germline.
Comment: This variant is not present in population databases (ExAC no frequency). This sequence change replaces glutamic acid with glycine at codon 149 of the PREPL protein (p.Glu149Gly). The glutamic acid residue is highly conserved and there is a moderate physicochemical difference between glutamic acid and glycine. This variant has not been reported in the literature in individuals with PREPL-related conditions. In summary, the available evidence is currently insufficient to determine the role of this variant in disease. Therefore, it has been classified as a Variant of Uncertain Significance. Algorithms developed to predict the effect of missense changes on protein structure and function are either unavailable or do not agree on the potential impact of this missense change (SIFT: "Deleterious"; PolyPhen-2: "Probably Damaging"; Align-GVGD: "Class C0").

NM_001171613.2(PREPL):c.179A>G (p.Glu60Gly)

Gene: PREPL (prolyl endopeptidase like; minus strand). Cytogenetic location: 2p21.
Variant type: single nucleotide variant.
Coding change: c.179A>G on transcript NM_001171613.2 (MANE Select); coding-DNA position 179, A replaced by G.
Protein change: p.Glu60Gly; replaces glutamic acid 60 with glycine.
Molecular consequence: missense variant.
Genome position (GRCh38, 1-based): chr2:44,343,915, T>C on the plus strand (A>G on the coding strand, the complement: PREPL is on the minus strand). VCF-style: chr2-44343915-T-C. GRCh37 (hg19) VCF-style: chr2-44571054-T-C.
Other names: c.446A>G, p.Glu149Gly (NM_001042385.2, NM_001042386.2, NM_001171603.1 and 4 more transcripts); c.179A>G, p.Glu60Gly (NM_001171617.1, NM_001374277.1); short protein forms E149G, E60G.
Identifiers: ClinVar variation 1011059 (VCV001011059.8), dbSNP rs1207275366, ClinGen allele CA346693594.
Genomic context (GRCh38, chr2:44,343,915, plus strand): 5'-TATTTTTCATCTGGAGCAACTCTGATACAATCAATGAAGGGCTGGTCTAACTTAAGTTCC[T>C]CCAAATTGAATAAAACTTCATAATTATCATTGTCTGCTGTATAAAGAAAAATACGAAAGT-3'
Protein context (NP_001165084.1, residues 50-70): NDNYEVLFNL[Glu60Gly]ELKLDQPFID